The following is an entry in ClinVar:

ClinVar aggregate classification (germline): Uncertain significance (1 of 4 stars; one submission).

Conditions:
Inborn genetic diseases. Identifiers: MedGen C0950123, MeSH D030342.

Submission:

Ambry Genetics
Classification: Uncertain significance for Inborn genetic diseases. Last evaluated: 2022-03-04. Review status: criteria provided, single submitter. Criteria: Ambry Variant Classification Scheme 2023. Collection method: clinical testing. Allele origin: germline.
Comment: The c.8868_8870delAGA (p.E2956del) alteration is located in exon 63 (coding exon 60) of the HUWE1 gene. This alteration consists of an in-frame deletion of 3 nucleotides between nucleotide positions c.8868 and c.8870, resulting in the deletion of <NA> residues. Based on insufficient or conflicting evidence, the clinical significance of this alteration remains unclear.

NM_031407.7(HUWE1):c.8862AGA[2] (p.Glu2956del)

Gene: HUWE1 (HECT, UBA and WWE domain containing E3 ubiquitin protein ligase 1; minus strand). Cytogenetic location: Xp11.22.
Variant type: Microsatellite.
Coding change: c.8862AGA[2] on transcript NM_031407.7 (MANE Select); two copies in a row of the 3-base unit AGA starting at c.8862; the reference has three copies in a row; one copy, 3 bases deleted.
Protein change: p.Glu2956del; deletes glutamic acid 2956.
Molecular consequence: inframe deletion.
Genome position (GRCh38, 1-based): chrX:53,552,322-53,552,324, TCT deleted on the plus strand (AGA on the coding strand, the reverse complement: HUWE1 is on the minus strand); deleting any 3 consecutive bases within chrX:53,552,322-53,552,332 gives the same sequence; the position shown is the placement nearest the transcript's 3' end. VCF-style (leftmost placement, unchanged base first): chrX-53552321-ATCT-A. GRCh37 (hg19) VCF-style: chrX-53579282-ATCT-A.
Other names: short protein forms E2956del.
Identifiers: ClinVar variation 2273928 (VCV002273928.2), dbSNP rs2523402223, ClinGen allele CA2579617175.